The following is an entry in ClinVar:

ClinVar aggregate classification (germline): Pathogenic (1 of 4 stars; one submission).

Conditions:
Alstrom syndrome (ALMS). Identifiers: Orphanet 64, MedGen C0268425, MONDO:0008763, OMIM 203800.

Submission:

Labcorp Genetics (formerly Invitae), Labcorp
Classification: Pathogenic for Alstrom syndrome. Last evaluated: 2022-12-20. Review status: criteria provided, single submitter. Criteria: Invitae Variant Classification Sherloc (09022015). Collection method: clinical testing. Allele origin: germline.
Comment: This variant has not been reported in the literature in individuals affected with ALMS1-related conditions. For these reasons, this variant has been classified as Pathogenic. This variant is not present in population databases (gnomAD no frequency). This sequence change creates a premature translational stop signal (p.Pro3532Ilefs*14) in the ALMS1 gene. It is expected to result in an absent or disrupted protein product. Loss-of-function variants in ALMS1 are known to be pathogenic (PMID: 17594715).

Literature cited by the submitters: PubMed 17594715.

NM_001378454.1(ALMS1):c.10591_10594del (p.Pro3531fs)

Gene: ALMS1 (ALMS1 centrosome and basal body associated protein; plus strand). Cytogenetic location: 2p13.1.
Variant type: Deletion.
Coding change: c.10591_10594del on transcript NM_001378454.1 (MANE Select); coding-DNA positions 10591 to 10594, 4 bases deleted (CCTT; older notation c.10591_10594delCCTT).
Protein change: p.Pro3531fs; shifts the reading frame from proline 3531.
Molecular consequence: frameshift variant.
Genome position (GRCh38, 1-based): chr2:73,572,468-73,572,471, CCTT deleted; deleting any 4 consecutive bases within chr2:73,572,465-73,572,471 gives the same sequence; the c. name uses the placement nearest the transcript's 3' end. VCF-style (leftmost placement, unchanged base first): chr2-73572464-TCTTC-T. GRCh37 (hg19) VCF-style: chr2-73799591-TCTTC-T.
Other names: c.10594_10597del, p.Pro3532fs (NM_015120.4); short protein forms P3531fs, P3532fs.
Identifiers: ClinVar variation 2822435 (VCV002822435.4), dbSNP rs2466443694, ClinGen allele CA2739271094.